The following is an entry in ClinVar:

NM_003051.4(SLC16A1):c.41C>G (p.Pro14Arg)

Gene: SLC16A1 (solute carrier family 16 member 1; minus strand). Cytogenetic location: 1p13.2.
Variant type: single nucleotide variant.
Coding change: c.41C>G on transcript NM_003051.4 (MANE Select); coding-DNA position 41, C replaced by G.
Protein change: p.Pro14Arg; replaces proline 14 with arginine.
Molecular consequence: missense variant.
Genome position (GRCh38, 1-based): chr1:112,929,268, G>C on the plus strand (C>G on the coding strand, the complement: SLC16A1 is on the minus strand). VCF-style: chr1-112929268-G-C. GRCh37 (hg19) VCF-style: chr1-113471890-G-C.
Other names: c.41C>G, p.Pro14Arg (NM_001166496.2); short protein forms P14R.
Identifiers: ClinVar variation 1701109 (VCV001701109.35), dbSNP rs763038298, ClinGen allele CA1011533.

ClinVar aggregate classification (germline): Uncertain significance. Review status: criteria provided, multiple submitters, no conflicts (2 of 4 stars). 2 submissions from 2 submitters: Uncertain significance (2). Last evaluated 2022-07-01.

gnomAD v4.1: 9 of 1,613,422 alleles (0.00056%); highest among the groups gnomAD compares: South Asian, 0.0022%; no homozygotes.

Submissions (2):

CeGaT Center for Human Genetics Tuebingen
Classification: Uncertain significance. Last evaluated: 2022-07-01. Review status: criteria provided, single submitter. Criteria: CeGaT Center For Human Genetics Tuebingen Variant Classification Criteria Version 2. Collection method: clinical testing. Allele origin: germline. Affected: yes. Observed: 1 variant allele.

Labcorp Genetics (formerly Invitae), Labcorp
Classification: Uncertain significance. Last evaluated: 2022-06-22. Review status: criteria provided, single submitter. Criteria: Invitae Variant Classification Sherloc (09022015). Collection method: clinical testing. Allele origin: germline.
Comment: Algorithms developed to predict the effect of missense changes on protein structure and function are either unavailable or do not agree on the potential impact of this missense change (SIFT: "Deleterious"; PolyPhen-2: "Probably Damaging"; Align-GVGD: "Class C0"). This sequence change replaces proline, which is neutral and non-polar, with arginine, which is basic and polar, at codon 14 of the SLC16A1 protein (p.Pro14Arg). This variant is present in population databases (rs763038298, gnomAD 0.003%). This variant has not been reported in the literature in individuals affected with SLC16A1-related conditions. In summary, the available evidence is currently insufficient to determine the role of this variant in disease. Therefore, it has been classified as a Variant of Uncertain Significance.